The following is an entry in ClinVar:

NM_000548.5(TSC2):c.4570-66G>A

Gene: TSC2 (TSC complex subunit 2; plus strand). Cytogenetic location: 16p13.3.
Variant type: single nucleotide variant.
Coding change: c.4570-66G>A on transcript NM_000548.5 (MANE Select); 66 bases into the intron before coding-DNA position 4570, G replaced by A.
Molecular consequence: intron variant.
Genome position (GRCh38, 1-based): chr16:2,085,164, G>A. VCF-style: chr16-2085164-G-A. GRCh37 (hg19) VCF-style: chr16-2135165-G-A.
Other names: c.4501-66G>A (NM_001114382.3); c.4441-66G>A (NM_021055.3, NM_001370405.1); c.4372-66G>A (NM_001363528.2); c.4438-66G>A (NM_001370404.1); c.4369-66G>A (NM_001077183.3); c.4261-66G>A (NM_001318827.2); c.3838-66G>A (NM_001318831.2); c.4225-66G>A (NM_001318829.2); and 1 more.
Identifiers: ClinVar variation 49783 (VCV000049783.10), dbSNP rs45496499, ClinGen allele CA020695.

ClinVar aggregate classification (germline): Conflicting classifications of pathogenicity. Review status: criteria provided, conflicting classifications (1 of 4 stars). 4 submissions from 4 submitters: Uncertain significance (1); Benign (1); Likely benign (1). 1 of the submissions does not count toward it. Last evaluated 2022-11-15.

Conditions:
Hereditary cancer-predisposing syndrome. Also called: Neoplastic Syndromes, Hereditary; Tumor predisposition; Hereditary Cancer Syndrome; Hereditary neoplastic syndrome. Identifiers: Orphanet 140162, MedGen C0027672, MeSH D009386, MONDO:0015356.
Tuberous sclerosis syndrome (TSC). Also called: Tuberous Sclerosis Complex; Tuberous sclerosis. Identifiers: Orphanet 805, MedGen C0041341, MONDO:0001734.
Tuberous sclerosis 2 (TSC2). Identifiers: Orphanet 805, MedGen C1860707, MONDO:0013199, OMIM 613254.

Allele frequency attached by ClinVar (database versions not stated): TOPMed 0.00001; gnomAD exomes 0.00003; 1000 Genomes Project 0.00040.

Submissions (4):

Labcorp Genetics (formerly Invitae), Labcorp
Classification: Benign for Tuberous sclerosis 2. Last evaluated: 2022-11-15. Review status: criteria provided, single submitter. Criteria: Invitae Variant Classification Sherloc (09022015). Collection method: clinical testing. Allele origin: germline.

Sema4
Classification: Uncertain significance for Hereditary cancer-predisposing syndrome. Last evaluated: 2021-07-09. Review status: criteria provided, single submitter. Criteria: Sema4 Curation Guidelines. Collection method: curation. Allele origin: germline.
Comment: To the best of our knowledge, the TSC2 c.4570-66G>A has not been reported in individuals with TSC2-related disease. The variant is not observed in any sub-population with a sufficient number of total alleles (>=2000) but is observed at a total AF of 1/31374=0.003% of the Genome Aggregation Database (PMID: 32461654). The variant has been reported in ClinVar (Variation ID: 49783). The evidence is insufficient to meet ACMG/AMP criteria for classifying the variant as benign or pathogenic. Thus, the clinical significance of this variant is currently uncertain.

GeneDx
Classification: Likely benign. Last evaluated: 2019-12-11. Review status: criteria provided, single submitter. Criteria: GeneDx Variant Classification Process June 2021. Collection method: clinical testing. Allele origin: germline. Affected: yes.
Comment: This variant is associated with the following publications: (PMID: 17304050)

Tuberous sclerosis database (TSC2)
No classification provided. Condition: TSC. Review status: no classification provided. Criteria: Tuberous Sclerosis Database Assertion Criteria 2015. Collection method: curation. Allele origin: germline. Affected: yes. Not counted in ClinVar's aggregate classification.